The following is an entry in ClinVar:

NM_023110.3(FGFR1):c.303C>T (p.Cys101=)

Gene: FGFR1 (fibroblast growth factor receptor 1; minus strand). Cytogenetic location: 8p11.23.
Variant type: single nucleotide variant.
Coding change: c.303C>T on transcript NM_023110.3 (MANE Select); coding-DNA position 303, C replaced by T.
Protein change: p.Cys101=; no amino-acid change (cysteine 101 retained).
Molecular consequence: synonymous variant. On other transcripts: intron variant (5).
Genome position (GRCh38, 1-based): chr8:38,429,737, G>A on the plus strand (C>T on the coding strand, the complement: FGFR1 is on the minus strand). VCF-style: chr8-38429737-G-A. GRCh37 (hg19) VCF-style: chr8-38287255-G-A.
Other names: c.303C>T, p.Cys101= (NM_000604.2, NM_001174063.2, NM_001174065.2 and 4 more transcripts); c.279C>T, p.Cys93= (NM_001174064.2); c.402C>T, p.Cys134= (NM_001174067.2); c.92-1302C>T (NM_001354368.2, NM_001354370.2, NM_023106.3 and 2 more transcripts).
Identifiers: ClinVar variation 1962523 (VCV001962523.29), dbSNP rs142638017, ClinGen allele CA4718823.
Genomic context (GRCh38, chr8:38,429,737, plus strand): 5'-CCAACCTGAAACATTGACGGAGAAGTAGGTGGTGTCACTGCCCGAGGGGCTGCTGGTTAC[G>A]CAAGCATAGAGGCCGGAGTCTGCGGGCACGGAGTCCTGCACCTCCACCTCCTCCCCTGTG-3'
Protein context (NP_075598.2, residues 91-111): SVPADSGLYA[Cys101=]VTSSPSGSDT

ClinVar aggregate classification (germline): Likely benign. Review status: criteria provided, multiple submitters, no conflicts (2 of 4 stars). 2 submissions from 2 submitters: Likely benign (2). Last evaluated 2025-11-23.

Conditions:
Hypogonadotropic hypogonadism 2 with or without anosmia (HH2). Also called: HYPOGONADOTROPIC HYPOGONADISM 2 WITH OR WITHOUT ANOSMIA, SUSCEPTIBILITY TO; HYPOGONADOTROPIC HYPOGONADISM 2 WITHOUT ANOSMIA, SUSCEPTIBILITY TO; FGFR1-Related GnRH Deficiency (Kallmann Syndrome 2); HYPOGONADOTROPIC HYPOGONADISM 2 WITHOUT ANOSMIA. Identifiers: Orphanet 478, MedGen C1563720, MONDO:0007844, OMIM 147950. Disease mechanism: loss of function.
Pfeiffer syndrome (ACS5). Also called: ACS V. Identifiers: Orphanet 710, MedGen C0220658, MONDO:0007043, OMIM 101600.

Allele frequency attached by ClinVar (database versions not stated): TOPMed 0.00008; gnomAD 0.00009; ESP Exome Variant Server 0.00015; ExAC 0.00017; 1000 Genomes Project 30x 0.00031; 1000 Genomes Project 0.00040.
gnomAD v4.1: 57 of 1,587,114 alleles (0.0036%); highest among the groups gnomAD compares: East Asian, 0.051%; no homozygotes.

Submissions (2):

Labcorp Genetics (formerly Invitae), Labcorp
Classification: Likely benign for Pfeiffer syndrome; Hypogonadotropic hypogonadism 2 with or without anosmia. Last evaluated: 2025-11-23. Review status: criteria provided, single submitter. Criteria: Invitae Variant Classification Sherloc (09022015). Collection method: clinical testing. Allele origin: germline.

CeGaT Center for Human Genetics Tuebingen
Classification: Likely benign. Last evaluated: 2023-04-01. Review status: criteria provided, single submitter. Criteria: CeGaT Center For Human Genetics Tuebingen Variant Classification Criteria Version 2. Collection method: clinical testing. Allele origin: germline. Affected: yes. Observed: 1 variant allele.
Comment: FGFR1: BP4, BP7